The following is an entry in ClinVar:

ClinVar aggregate classification (germline): Uncertain significance. Review status: criteria provided, multiple submitters, no conflicts (2 of 4 stars). 2 submissions from 2 submitters: Uncertain significance (2). Last evaluated 2024-03-12.

Conditions:
Inborn genetic diseases. Identifiers: MedGen C0950123, MeSH D030342.

Allele frequency attached by ClinVar (database versions not stated): gnomAD exomes 0.00001; TOPMed 0.00001.

Submissions (2):

GeneDx
Classification: Uncertain significance. Last evaluated: 2024-03-12. Review status: criteria provided, single submitter. Criteria: GeneDx Variant Classification Process June 2021. Collection method: clinical testing. Allele origin: germline. Affected: yes.
Comment: Not observed at significant frequency in large population cohorts (gnomAD); In silico analysis supports that this missense variant does not alter protein structure/function; Has not been previously published as pathogenic or benign to our knowledge

Ambry Genetics
Classification: Uncertain significance for Inborn genetic diseases. Last evaluated: 2020-01-17. Review status: criteria provided, single submitter. Criteria: Ambry Variant Classification Scheme 2023. Collection method: clinical testing. Allele origin: germline.
Comment: The p.K235R variant (also known as c.704A>G), located in coding exon 5 of the CTSF gene, results from an A to G substitution at nucleotide position 704. The lysine at codon 235 is replaced by arginine, an amino acid with highly similar properties. This amino acid position is highly conserved in available vertebrate species. In addition, the in silico prediction for this alteration is inconclusive. Since supporting evidence is limited at this time, the clinical significance of this alteration remains unclear.

NM_003793.4(CTSF):c.704A>G (p.Lys235Arg)

Gene: CTSF (cathepsin F; minus strand). Cytogenetic location: 11q13.2.
Variant type: single nucleotide variant.
Coding change: c.704A>G on transcript NM_003793.4 (MANE Select); coding-DNA position 704, A replaced by G.
Protein change: p.Lys235Arg; replaces lysine 235 with arginine.
Molecular consequence: missense variant.
Genome position (GRCh38, 1-based): chr11:66,566,308, T>C on the plus strand (A>G on the coding strand, the complement: CTSF is on the minus strand). VCF-style: chr11-66566308-T-C. GRCh37 (hg19) VCF-style: chr11-66333779-T-C.
Other names: short protein forms K235R.
Identifiers: ClinVar variation 1756865 (VCV001756865.3), dbSNP rs1322927787, ClinGen allele CA381463084.
Genomic context (GRCh38, chr11:66,566,308, plus strand): 5'-TGTCTCTTCCTGGATCCATGAGGACTGTGGCCACTATCCCTACCTGTGAGATCACTGAAC[T>C]TGGTGACTCCATACTGAGCTGTGCCACGGTCCAGGGCCTGGATCTTCTGTGCTCGCACCA-3'
Protein context (NP_003784.2, residues 225-245): DRGTAQYGVT[Lys235Arg]FSDLTEEEFR